The following is an entry in ClinVar:

ClinVar aggregate classification (germline): Uncertain significance. Review status: criteria provided, multiple submitters, no conflicts (2 of 4 stars). 2 submissions from 2 submitters: Uncertain significance (2). Last evaluated 2024-10-07.

Allele frequency attached by ClinVar (database versions not stated): gnomAD exomes 0.00001; ExAC 0.00002.
gnomAD v4.1: 12 of 1,610,254 alleles (0.00075%); highest among the groups gnomAD compares: Non-Finnish European, 0.001%; no homozygotes.

Submissions (2):

Labcorp Genetics (formerly Invitae), Labcorp
Classification: Uncertain significance. Last evaluated: 2024-10-07. Review status: criteria provided, single submitter. Criteria: Invitae Variant Classification Sherloc (09022015). Collection method: clinical testing. Allele origin: germline.
Comment: This sequence change replaces alanine, which is neutral and non-polar, with threonine, which is neutral and polar, at codon 50 of the TNFRSF6B protein (p.Ala50Thr). This variant is present in population databases (rs764931903, gnomAD 0.003%). This variant has not been reported in the literature in individuals affected with TNFRSF6B-related conditions. An algorithm developed to predict the effect of missense changes on protein structure and function (PolyPhen-2) suggests that this variant is likely to be tolerated. In summary, the available evidence is currently insufficient to determine the role of this variant in disease. Therefore, it has been classified as a Variant of Uncertain Significance.

Ambry Genetics
Classification: Uncertain significance. Last evaluated: 2023-11-22. Review status: criteria provided, single submitter. Criteria: Ambry Variant Classification Scheme 2023. Collection method: clinical testing. Allele origin: germline.

NM_003823.4(TNFRSF6B):c.148G>A (p.Ala50Thr)

Genes: RTEL1-TNFRSF6B (RTEL1-TNFRSF6B readthrough (NMD candidate); plus strand), TNFRSF6B (TNF receptor superfamily member 6b; plus strand). Cytogenetic location: 20q13.33.
Variant type: single nucleotide variant.
Coding change: c.148G>A on transcript NM_003823.4 (MANE Select); coding-DNA position 148, G replaced by A.
Protein change: p.Ala50Thr; replaces alanine 50 with threonine.
Molecular consequence: missense variant. On other transcripts: non-coding transcript variant (1).
Genome position (GRCh38, 1-based): chr20:63,696,915, G>A. VCF-style: chr20-63696915-G-A. GRCh37 (hg19) VCF-style: chr20-62328268-G-A.
Other names: short protein forms A50T.
Identifiers: ClinVar variation 3180291 (VCV003180291.3), dbSNP rs764931903, ClinGen allele CA9966341.